The following is an entry in ClinVar:

NM_015058.2(VWA8):c.3069C>G (p.Tyr1023Ter)

Gene: VWA8 (von Willebrand factor A domain containing 8; minus strand). Cytogenetic location: 13q14.11.
Variant type: single nucleotide variant.
Coding change: c.3069C>G on transcript NM_015058.2 (MANE Select); coding-DNA position 3069, C replaced by G.
Protein change: p.Tyr1023Ter; replaces tyrosine 1023 with a stop codon.
Molecular consequence: nonsense.
Genome position (GRCh38, 1-based): chr13:41,719,638, G>C on the plus strand (C>G on the coding strand, the complement: VWA8 is on the minus strand). VCF-style: chr13-41719638-G-C. GRCh37 (hg19) VCF-style: chr13-42293774-G-C.
Other names: c.3069C>G, p.Tyr1023Ter (NM_001009814.2); short protein forms Y1023*.
Identifiers: ClinVar variation 4292649 (VCV004292649.1).

ClinVar aggregate classification (germline): Uncertain significance (1 of 4 stars; one submission).

Conditions:
Retinitis pigmentosa 97 (RP97). Identifiers: MedGen C5830579, MONDO:0957314, OMIM 620422.

gnomAD v4.1: 2 of 1,613,090 alleles (0.00012%); highest among the groups gnomAD compares: Non-Finnish European, 0.000085%; no homozygotes.

Submission:

3billion
Classification: Uncertain significance for Retinitis pigmentosa 97. Last evaluated: 2024-09-04. Review status: criteria provided, single submitter. Criteria: ACMG Guidelines, 2015. Collection method: clinical testing. Allele origin: germline. Affected: yes.
Comment: The variant is observed at an extremely low frequency in the gnomAD v4.0.0 dataset (total allele frequency: <0.001%). Predicted Consequence/Location: Stop-gained (nonsense) Therefore, this variant is classified as VUS according to the recommendation of ACMG/AMP guideline.